The following is an entry in ClinVar:

NM_000266.4(NDP):c.329G>T (p.Cys110Phe)

Genes: NDP (norrin cystine knot growth factor NDP; minus strand), NDP-AS1 (NDP antisense RNA 1; plus strand). Cytogenetic location: Xp11.3.
Variant type: single nucleotide variant.
Coding change: c.329G>T on transcript NM_000266.4 (MANE Select); coding-DNA position 329, G replaced by T.
Protein change: p.Cys110Phe; replaces cysteine 110 with phenylalanine.
Molecular consequence: missense variant. On other transcripts: non-coding transcript variant (1).
Genome position (GRCh38, 1-based): chrX:43,949,872, C>A on the plus strand (G>T on the coding strand, the complement: NDP is on the minus strand). VCF-style: chrX-43949872-C-A. GRCh37 (hg19) VCF-style: chrX-43809118-C-A.
Other names: short protein forms C110F.
Identifiers: ClinVar variation 1219131 (VCV001219131.4), dbSNP rs2147204715, ClinGen allele CA413007398.

ClinVar aggregate classification (germline): Likely pathogenic. Review status: criteria provided, multiple submitters, no conflicts (2 of 4 stars). 2 submissions from 2 submitters: Likely pathogenic (2). Last evaluated 2019-12-24.

Conditions:
Retinal dystrophy. Also called: Inherited retinal dystrophy. Identifiers: Orphanet 71862, MedGen C0854723, MeSH D058499, MONDO:0019118, HP:0000556.

Submissions (2):

GeneDx
Classification: Likely pathogenic. Last evaluated: 2019-12-24. Review status: criteria provided, single submitter. Criteria: GeneDx Variant Classification Process June 2021. Collection method: clinical testing. Allele origin: germline. Affected: yes.
Comment: Not observed in large population cohorts (Lek et al., 2016); In silico analysis, which includes protein predictors and evolutionary conservation, supports a deleterious effect

Institute of Human Genetics, Univ. Regensburg, Univ. Regensburg
Classification: Likely pathogenic for Retinal dystrophy. Last evaluated: 2015-01-01. Review status: criteria provided, single submitter. Criteria: ACMG Guidelines, 2015. Collection method: clinical testing. Allele origin: germline. Affected: yes.

Literature cited by the submitters: PubMed 32341821 (cited by Institute of Human Genetics, Univ. Regensburg, Univ. Regensburg).